The following is an entry in ClinVar:

NM_002334.4(LRP4):c.5512C>T (p.Arg1838Trp)

Genes: LRP4 (LDL receptor related protein 4; minus strand), LRP4-AS1 (LRP4 antisense RNA 1; plus strand). Cytogenetic location: 11p11.2.
Variant type: single nucleotide variant.
Coding change: c.5512C>T on transcript NM_002334.4 (MANE Select); coding-DNA position 5512, C replaced by T.
Protein change: p.Arg1838Trp; replaces arginine 1838 with tryptophan.
Molecular consequence: missense variant.
Genome position (GRCh38, 1-based): chr11:46,859,189, G>A on the plus strand (C>T on the coding strand, the complement: LRP4 is on the minus strand). VCF-style: chr11-46859189-G-A. GRCh37 (hg19) VCF-style: chr11-46880740-G-A.
Other names: short protein forms R1838W.
Identifiers: ClinVar variation 2155089 (VCV002155089.4), dbSNP rs199969059, ClinGen allele CA5968999.
Genomic context (GRCh38, chr11:46,859,189, plus strand): 5'-CCAGGGAGCCAGAGCTGGCCTGGATGGACACCGTGTCTGTCTTCATGCATACATGATCCC[G>A]GAGGAGGCCCCCCCGTGAGCTTCGCAGTTGCTTGAGGTCATCCCACTCAGCATCATCCCC-3'
Protein context (NP_002325.2, residues 1828-1848): QLRSSRGGLL[Arg1838Trp]DHVCMKTDTV

ClinVar aggregate classification (germline): Uncertain significance (1 of 4 stars; one submission).

Conditions:
Cenani-Lenz syndactyly syndrome. Also called: SYNDACTYLY, TYPE VII; CENANI SYNDACTYLISM. Identifiers: Orphanet 3258, MedGen C1859309, MONDO:0008931, OMIM 212780.
Sclerosteosis 2 (SOST2). Identifiers: Orphanet 3152, MedGen C3280402, MONDO:0013679, OMIM 614305.
Congenital myasthenic syndrome 17. Identifiers: Orphanet 590, MedGen C4225377, MONDO:0014578, OMIM 616304.

Allele frequency attached by ClinVar (database versions not stated): gnomAD 0.00001; ExAC 0.00002; gnomAD exomes 0.00002; TOPMed 0.00002; ESP Exome Variant Server 0.00008.
gnomAD v4.1: 26 of 1,614,014 alleles (0.0016%); highest among the groups gnomAD compares: Middle Eastern, 0.016%; no homozygotes.

Submission:

Labcorp Genetics (formerly Invitae), Labcorp
Classification: Uncertain significance for Cenani-Lenz syndactyly syndrome; Sclerosteosis 2; Congenital myasthenic syndrome 17. Last evaluated: 2022-01-13. Review status: criteria provided, single submitter. Criteria: Invitae Variant Classification Sherloc (09022015). Collection method: clinical testing. Allele origin: germline.
Comment: Algorithms developed to predict the effect of missense changes on protein structure and function are either unavailable or do not agree on the potential impact of this missense change (SIFT: "Deleterious"; PolyPhen-2: "Possibly Damaging"; Align-GVGD: "Class C0"). In summary, the available evidence is currently insufficient to determine the role of this variant in disease. Therefore, it has been classified as a Variant of Uncertain Significance. This sequence change replaces arginine, which is basic and polar, with tryptophan, which is neutral and slightly polar, at codon 1838 of the LRP4 protein (p.Arg1838Trp). This variant is present in population databases (rs199969059, gnomAD 0.006%). This variant has not been reported in the literature in individuals affected with LRP4-related conditions.